The following is an entry in ClinVar:

NM_000069.3(CACNA1S):c.4882C>T (p.Leu1628Phe)

Gene: CACNA1S (calcium voltage-gated channel subunit alpha1 S; minus strand). Cytogenetic location: 1q32.1.
Variant type: single nucleotide variant.
Coding change: c.4882C>T on transcript NM_000069.3 (MANE Select); coding-DNA position 4882, C replaced by T.
Protein change: p.Leu1628Phe; replaces leucine 1628 with phenylalanine.
Molecular consequence: missense variant.
Genome position (GRCh38, 1-based): chr1:201,043,447, G>A on the plus strand (C>T on the coding strand, the complement: CACNA1S is on the minus strand). VCF-style: chr1-201043447-G-A. GRCh37 (hg19) VCF-style: chr1-201012575-G-A.
Other names: short protein forms L1628F.
Identifiers: ClinVar variation 294710 (VCV000294710.17), dbSNP rs200848930, ClinGen allele CA083619.
Genomic context (GRCh38, chr1:201,043,447, plus strand): 5'-GGAAGTCCTCCAAGAAGACAGGTGACTCCATCTCTTCCATCTCTATCTCAGCAAACTGGA[G>A]GGGTCTCTGATTGGCCATGACGGGGGGCAGGGAGTTGGTCCTTTCCAGGAAGTTGTCCAC-3'
Protein context (NP_000060.2, residues 1618-1638): LPPVMANQRP[Leu1628Phe]QFAEIEMEEM

ClinVar aggregate classification (germline): Conflicting classifications of pathogenicity. Review status: criteria provided, conflicting classifications (1 of 4 stars). 5 submissions from 5 submitters: Uncertain significance (4); Likely benign (1). Last evaluated 2025-02-19.

Conditions:
Hypokalemic periodic paralysis, type 1. Also called: Hypokalemic Periodic Paralysis Type 1 (AD); HypoPP. Identifiers: Orphanet 681, MedGen C3714580, MONDO:0042979, OMIM 170400.
Malignant hyperthermia, susceptibility to, 5 (MHS5). Also called: CACNA1S-Related Malignant Hyperthermia Susceptibility. Identifiers: Orphanet 423, MedGen C1866077, MONDO:0011163, OMIM 601887.
Thyrotoxic periodic paralysis, susceptibility to, 1 (TTPP1). Identifiers: Orphanet 79102, MedGen C2749982, MONDO:0008570, OMIM 188580.
Congenital myopathy 18. Also called: DIHYDROPYRIDINE RECEPTOR CONGENITAL MYOPATHY; DHPR CONGENITAL MYOPATHY; Myopathy, congenital, due to dihydropyridine receptor defect. Identifiers: MedGen C5830283, MONDO:0859514, OMIM 620246.

Allele frequency attached by ClinVar (database versions not stated): TOPMed 0.00002; gnomAD 0.00004; gnomAD exomes 0.00004 and 0.00008; ExAC 0.00005; ESP Exome Variant Server 0.00008; 1000 Genomes Project 30x 0.00016; 1000 Genomes Project 0.00020.
gnomAD v4.1: 126 of 1,614,126 alleles (0.0078%); highest among the groups gnomAD compares: Non-Finnish European, 0.01%; no homozygotes.

Submissions (5):

Color Diagnostics, LLC DBA Color Health
Classification: Uncertain significance for Malignant hyperthermia, susceptibility to, 5. Last evaluated: 2025-02-19. Review status: criteria provided, single submitter. Criteria: ACMG Guidelines, 2015. Collection method: clinical testing. Allele origin: germline.
Comment: This missense variant replaces leucine with phenylalanine at codon 1628 of the CACNA1S protein. Computational prediction suggests that this variant may not impact protein structure and function. To our knowledge, functional studies have not been reported for this variant. This variant has not been reported in individuals affected with CACNA1S-related disorders in the literature. This variant has been identified in 12/282836 chromosomes in the general population by the Genome Aggregation Database (gnomAD). The available evidence is insufficient to determine the role of this variant in disease conclusively. Therefore, this variant is classified as a Variant of Uncertain Significance.

Labcorp Genetics (formerly Invitae), Labcorp
Classification: Likely benign for Hypokalemic periodic paralysis, type 1; Malignant hyperthermia, susceptibility to, 5. Last evaluated: 2024-09-17. Review status: criteria provided, single submitter. Criteria: Invitae Variant Classification Sherloc (09022015). Collection method: clinical testing. Allele origin: germline.

Fulgent Genetics
Classification: Uncertain significance for Hypokalemic periodic paralysis, type 1; Thyrotoxic periodic paralysis, susceptibility to, 1; Malignant hyperthermia, susceptibility to, 5; Congenital myopathy 18. Last evaluated: 2024-03-21. Review status: criteria provided, single submitter. Criteria: ACMG Guidelines, 2015. Collection method: clinical testing. Allele origin: germline.

GeneDx
Classification: Uncertain significance. Last evaluated: 2021-06-01. Review status: criteria provided, single submitter. Criteria: GeneDx Variant Classification Process June 2021. Collection method: clinical testing. Allele origin: germline. Affected: yes.
Comment: In silico analysis supports that this missense variant has a deleterious effect on protein structure/function; Has not been previously published as pathogenic or benign to our knowledge; This variant is associated with the following publications: (PMID: 26582918, 27535533)

Athena Diagnostics
Classification: Uncertain significance. Last evaluated: 2018-05-11. Review status: criteria provided, single submitter. Criteria: Athena Diagnostics Criteria. Collection method: clinical testing. Allele origin: germline.